The following is an entry in ClinVar:

ClinVar aggregate classification (germline): Uncertain significance (1 of 4 stars; one submission).

Submission:

Labcorp Genetics (formerly Invitae), Labcorp
Classification: Uncertain significance. Last evaluated: 2021-05-10. Review status: criteria provided, single submitter. Criteria: Invitae Variant Classification Sherloc (09022015). Collection method: clinical testing. Allele origin: germline.
Comment: This variant has not been reported in the literature in individuals with PRDM13-related conditions. This variant is not present in population databases (ExAC no frequency). This sequence change replaces histidine with glutamine at codon 129 of the PRDM13 protein (p.His129Gln). The histidine residue is highly conserved and there is a small physicochemical difference between histidine and glutamine. In summary, the available evidence is currently insufficient to determine the role of this variant in disease. Therefore, it has been classified as a Variant of Uncertain Significance. Algorithms developed to predict the effect of sequence changes on RNA splicing suggest that this variant may create or strengthen a splice site, but this prediction has not been confirmed by published transcriptional studies. Algorithms developed to predict the effect of missense changes on protein structure and function are either unavailable or do not agree on the potential impact of this missense change (SIFT: "Deleterious"; PolyPhen-2: "Possibly Damaging"; Align-GVGD: "Class C15").

NM_021620.4(PRDM13):c.387C>G (p.His129Gln)

Gene: PRDM13 (PR/SET domain 13; plus strand). Cytogenetic location: 6q16.2.
Variant type: single nucleotide variant.
Coding change: c.387C>G on transcript NM_021620.4 (MANE Select); coding-DNA position 387, C replaced by G.
Protein change: p.His129Gln; replaces histidine 129 with glutamine.
Molecular consequence: missense variant.
Genome position (GRCh38, 1-based): chr6:99,609,297, C>G. VCF-style: chr6-99609297-C-G. GRCh37 (hg19) VCF-style: chr6-100057173-C-G.
Other names: short protein forms H129Q.
Identifiers: ClinVar variation 1352956 (VCV001352956.8), dbSNP rs367851194, ClinGen allele CA365114227.